The following is an entry in ClinVar:

NM_001458.5(FLNC):c.1813+2T>C

Gene: FLNC (filamin C; plus strand). Cytogenetic location: 7q32.1.
Variant type: single nucleotide variant.
Coding change: c.1813+2T>C on transcript NM_001458.5 (MANE Select); the canonical splice donor site of the intron after coding-DNA position 1813, T replaced by C.
Molecular consequence: splice donor variant.
Genome position (GRCh38, 1-based): chr7:128,840,972, T>C. VCF-style: chr7-128840972-T-C. GRCh37 (hg19) VCF-style: chr7-128481026-T-C.
Other names: c.1813+2T>C (NM_001127487.2, NM_001458.4).
Identifiers: ClinVar variation 1174910 (VCV001174910.8), dbSNP rs113483303, ClinGen allele CA166216933.

ClinVar aggregate classification (germline): Conflicting classifications of pathogenicity. Review status: criteria provided, conflicting classifications (1 of 4 stars). 4 submissions from 4 submitters: Likely pathogenic (1); Uncertain significance (1). 2 of the submissions do not count toward it. Last evaluated 2025-05-09.

Conditions:
Cardiovascular phenotype. Identifiers: MedGen CN230736.
Hypertrophic cardiomyopathy 26. Also called: Cardiomyopathy, familial hypertrophic, 26. Identifiers: Orphanet 75249, MedGen C4310749, MONDO:0014883, OMIM 617047.
Myofibrillar myopathy 5. Also called: Filaminopathy (type); FILAMINOPATHY, AUTOSOMAL DOMINANT. Identifiers: Orphanet 171445, MedGen C1836050, MONDO:0012289, OMIM 609524.
Distal myopathy with posterior leg and anterior hand involvement. Also called: WILLIAMS DISTAL MYOPATHY. Identifiers: Orphanet 63273, MedGen C3279722, MONDO:0013550, OMIM 614065.

Submissions (4):

Ambry Genetics
Classification: Uncertain significance for Cardiovascular phenotype. Last evaluated: 2025-05-09. Review status: criteria provided, single submitter. Criteria: Ambry Variant Classification Scheme 2023. Collection method: clinical testing. Allele origin: germline.
Comment: The c.1813+2T>C intronic variant results from a T to C substitution two nucleotides after coding exon 11 in the FLNC gene. This nucleotide position is highly conserved in available vertebrate species. In silico splice site analysis predicts that this alteration will weaken the native splice donor site and may result in the creation or strengthening of a novel splice donor site. Alterations that disrupt the canonical splice site are expected to cause aberrant splicing, resulting in an abnormal protein or a transcript that is subject to nonsense-mediated mRNA decay; however, +2T>C alterations are capable of generating wild-type transcripts in some genomic contexts and should be interpreted with caution (Lin JH et al. Hum Mutat. 2019 10;40:1856-1873). Based on the available evidence, the clinical significance of this alteration remains unclear.

Labcorp Genetics (formerly Invitae), Labcorp
Classification: Likely pathogenic for Distal myopathy with posterior leg and anterior hand involvement; Myofibrillar myopathy 5; Hypertrophic cardiomyopathy 26. Last evaluated: 2024-07-02. Review status: criteria provided, single submitter. Criteria: Invitae Variant Classification Sherloc (09022015). Collection method: clinical testing. Allele origin: germline.
Comment: This sequence change affects a donor splice site in intron 11 of the FLNC gene. It is expected to disrupt RNA splicing. Variants that disrupt the donor or acceptor splice site typically lead to a loss of protein function (PMID: 16199547), and loss-of-function variants in FLNC are known to be pathogenic (PMID: 27908349). This variant is not present in population databases (gnomAD no frequency). Disruption of this splice site has been observed in individual(s) with dilated cardiomyopathy (Invitae). ClinVar contains an entry for this variant (Variation ID: 1174910). Algorithms developed to predict the effect of sequence changes on RNA splicing suggest that this variant may disrupt the consensus splice site. In summary, the currently available evidence indicates that the variant is pathogenic, but additional data are needed to prove that conclusively. Therefore, this variant has been classified as Likely Pathogenic.

Clinical Genetics DNA and cytogenetics Diagnostics Lab, Erasmus MC, Erasmus Medical Center
Classification: Pathogenic. Review status: no assertion criteria provided. Collection method: clinical testing. Allele origin: germline. Affected: yes. Study: VKGL Data-share Consensus. Not counted in ClinVar's aggregate classification.

Diagnostic Laboratory, Department of Genetics, University Medical Center Groningen
Classification: Pathogenic. Review status: no assertion criteria provided. Collection method: clinical testing. Allele origin: germline. Affected: yes. Study: VKGL Data-share Consensus. Not counted in ClinVar's aggregate classification.

Literature cited by the submitters: PubMed 16199547 (cited by Labcorp Genetics (formerly Invitae), Labcorp); PubMed 27908349 (cited by Labcorp Genetics (formerly Invitae), Labcorp).